The following is an entry in ClinVar:

ClinVar aggregate classification (germline): Uncertain significance. Review status: criteria provided, multiple submitters, no conflicts (2 of 4 stars). 2 submissions from 2 submitters: Uncertain significance (2). Last evaluated 2024-07-08.

Submissions (2):

GeneDx
Classification: Uncertain significance. Last evaluated: 2024-07-08. Review status: criteria provided, single submitter. Criteria: GeneDx Variant Classification Process June 2021. Collection method: clinical testing. Allele origin: germline. Affected: yes.
Comment: Not observed at significant frequency in large population cohorts (gnomAD); In silico analysis indicates that this missense variant does not alter protein structure/function; Has not been previously published as pathogenic or benign to our knowledge

Women's Health and Genetics/Laboratory Corporation of America, LabCorp
Classification: Uncertain significance. Last evaluated: 2024-03-14. Review status: criteria provided, single submitter. Criteria: LabCorp Variant Classification Summary - May 2015. Collection method: clinical testing. Allele origin: germline.
Comment: Variant summary: PHACTR1 c.942C>A (p.Asp314Glu) results in a conservative amino acid change in the encoded protein sequence. Four of five in-silico tools predict a benign effect of the variant on protein function. The variant was absent in 242920 control chromosomes (gnomAD). The available data on variant occurrences in the general population are insufficient to allow any conclusion about variant significance. To our knowledge, no occurrence of c.942C>A in individuals affected with Developmental And Epileptic Encephalopathy, 70 and no experimental evidence demonstrating its impact on protein function have been reported. No submitters have cited clinical-significance assessments for this variant to ClinVar. Based on the evidence outlined above, the variant was classified as uncertain significance.

NM_030948.6(PHACTR1):c.942C>A (p.Asp314Glu)

Gene: PHACTR1 (phosphatase and actin regulator 1; plus strand). Cytogenetic location: 6p24.1.
Variant type: single nucleotide variant.
Coding change: c.942C>A on transcript NM_030948.6 (MANE Select); coding-DNA position 942, C replaced by A.
Protein change: p.Asp314Glu; replaces aspartic acid 314 with glutamic acid.
Molecular consequence: missense variant.
Genome position (GRCh38, 1-based): chr6:13,206,092, C>A. VCF-style: chr6-13206092-C-A. GRCh37 (hg19) VCF-style: chr6-13206324-C-A.
Other names: c.942C>A, p.Asp314Glu (NM_001242648.4, NM_001322308.3, NM_001322309.3 and 1 more transcripts); c.1149C>A, p.Asp383Glu (NM_001322310.2, NM_001374582.1); c.666C>A, p.Asp222Glu (NM_001322311.2, NM_001322312.3, NM_001374583.2); c.873C>A, p.Asp291Glu (NM_001322313.2); c.1152C>A, p.Asp384Glu (NM_001322314.4); c.942C>A (NM_030948.3); short protein forms D222E, D291E, D314E, D383E, D384E.
Identifiers: ClinVar variation 3233970 (VCV003233970.3), dbSNP rs749324917, ClinGen allele CA362859190.